The following is an entry in ClinVar:

NM_000081.4(LYST):c.4054A>G (p.Arg1352Gly)

Gene: LYST (lysosomal trafficking regulator; minus strand). Cytogenetic location: 1q42.3.
Variant type: single nucleotide variant.
Coding change: c.4054A>G on transcript NM_000081.4 (MANE Select); coding-DNA position 4054, A replaced by G.
Protein change: p.Arg1352Gly; replaces arginine 1352 with glycine.
Molecular consequence: missense variant.
Genome position (GRCh38, 1-based): chr1:235,793,565, T>C on the plus strand (A>G on the coding strand, the complement: LYST is on the minus strand). VCF-style: chr1-235793565-T-C. GRCh37 (hg19) VCF-style: chr1-235956865-T-C.
Other names: c.4054A>G, p.Arg1352Gly (NM_001301365.1); c.4054A>G (NM_000081.2); short protein forms R1352G.
Identifiers: ClinVar variation 1021341 (VCV001021341.6), dbSNP rs142397962, ClinGen allele CA1466930.
Genomic context (GRCh38, chr1:235,793,565, plus strand): 5'-TACAAGGAGATTTCTCCAGAAATATTCTCAAAAGAAGGGTTAGCTCTTCTGAACATGTTC[T>C]TGAACTCATCAAAGATACCAAAAGATCCACCAATACTCTCTGGCATGCTAAATTAAAGAA-3'
Protein context (NP_000072.2, residues 1342-1362): VDLLVSLMSS[Arg1352Gly]TCSEELTLLL

ClinVar aggregate classification (germline): Uncertain significance. Review status: criteria provided, multiple submitters, no conflicts (2 of 4 stars). 3 submissions from 3 submitters: Uncertain significance (3). Last evaluated 2025-07-31.

Conditions:
Inborn genetic diseases. Identifiers: MedGen C0950123, MeSH D030342.
Chédiak-Higashi syndrome (CHS). Also called: Chediak-Higashi Syndrome. Identifiers: Orphanet 167, MedGen C0007965, MONDO:0008963, OMIM 214500.

Allele frequency attached by ClinVar (database versions not stated): gnomAD exomes 0.00002; ExAC 0.00009; gnomAD 0.00021; TOPMed 0.00031; ESP Exome Variant Server 0.00046.
gnomAD v4.1: 69 of 1,604,376 alleles (0.0043%); highest among the groups gnomAD compares: African/African-American, 0.086%; no homozygotes.

Submissions (3):

Ambry Genetics
Classification: Uncertain significance for Inborn genetic diseases. Last evaluated: 2025-07-31. Review status: criteria provided, single submitter. Criteria: Ambry Variant Classification Scheme 2023. Collection method: clinical testing. Allele origin: germline.

Blueprint Genetics
Classification: Uncertain significance. Last evaluated: 2024-03-05. Review status: criteria provided, single submitter. Criteria: ACMG Guidelines, 2015. Collection method: clinical testing. Allele origin: germline.

Labcorp Genetics (formerly Invitae), Labcorp
Classification: Uncertain significance for Chédiak-Higashi syndrome. Last evaluated: 2022-11-01. Review status: criteria provided, single submitter. Criteria: Invitae Variant Classification Sherloc (09022015). Collection method: clinical testing. Allele origin: germline.
Comment: This sequence change replaces arginine, which is basic and polar, with glycine, which is neutral and non-polar, at codon 1352 of the LYST protein (p.Arg1352Gly). This variant is present in population databases (rs142397962, gnomAD 0.08%). This variant has not been reported in the literature in individuals affected with LYST-related conditions. ClinVar contains an entry for this variant (Variation ID: 1021341). Advanced modeling of protein sequence and biophysical properties (such as structural, functional, and spatial information, amino acid conservation, physicochemical variation, residue mobility, and thermodynamic stability) has been performed at Invitae for this missense variant, however the output from this modeling did not meet the statistical confidence thresholds required to predict the impact of this variant on LYST protein function. In summary, the available evidence is currently insufficient to determine the role of this variant in disease. Therefore, it has been classified as a Variant of Uncertain Significance.